The following is an entry in ClinVar:

ClinVar aggregate classification (germline): Uncertain significance (1 of 4 stars; one submission).

Conditions:
Bethlem myopathy 1A. Also called: Bethlem myopathy 1; MYOPATHY, BENIGN CONGENITAL, WITH CONTRACTURES; Bethlem Muscular Dystrophy. Identifiers: Orphanet 610, MedGen CN029274, MONDO:0024530, OMIM 158810.

Submission:

Labcorp Genetics (formerly Invitae), Labcorp
Classification: Uncertain significance for Bethlem myopathy 1A. Last evaluated: 2024-08-05. Review status: criteria provided, single submitter. Criteria: Invitae Variant Classification Sherloc (09022015). Collection method: clinical testing. Allele origin: germline.
Comment: This sequence change replaces cysteine, which is neutral and slightly polar, with tyrosine, which is neutral and polar, at codon 611 of the COL6A2 protein (p.Cys611Tyr). This variant is not present in population databases (gnomAD no frequency). This missense change has been observed in individual(s) with COL6A2-related conditions (PMID: 36982625). Advanced modeling of protein sequence and biophysical properties (such as structural, functional, and spatial information, amino acid conservation, physicochemical variation, residue mobility, and thermodynamic stability) performed at Invitae indicates that this missense variant is expected to disrupt COL6A2 protein function with a positive predictive value of 80%. In summary, the available evidence is currently insufficient to determine the role of this variant in disease. Therefore, it has been classified as a Variant of Uncertain Significance.

Literature cited by the submitters: PubMed 36982625.

NM_001849.4(COL6A2):c.1832G>A (p.Cys611Tyr)

Gene: COL6A2 (collagen type VI alpha 2 chain; plus strand). Cytogenetic location: 21q22.3.
Variant type: single nucleotide variant.
Coding change: c.1832G>A on transcript NM_001849.4 (MANE Select); coding-DNA position 1832, G replaced by A.
Protein change: p.Cys611Tyr; replaces cysteine 611 with tyrosine.
Molecular consequence: missense variant.
Genome position (GRCh38, 1-based): chr21:46,125,480, G>A. VCF-style: chr21-46125480-G-A. GRCh37 (hg19) VCF-style: chr21-47545394-G-A.
Other names: c.1832G>A, p.Cys611Tyr (NM_058174.3, NM_058175.3); short protein forms C611Y.
Identifiers: ClinVar variation 3605890 (VCV003605890.2).
Genomic context (GRCh38, chr21:46,125,480, plus strand): 5'-CTGAGGTCTCCCCGGTACCCCCCGATGACCCTGCCACCCCCCCAGACTGTGAGAAGCGCT[G>A]TGGCGCCCTGGACGTGGTCTTCGTCATCGACAGCTCCGAGAGCATTGGGTACACCAACTT-3'
Protein context (NP_001840.3, residues 601-621): TCGCCDCEKR[Cys611Tyr]GALDVVFVID